The following is an entry in ClinVar:

NM_022124.6(CDH23):c.4864G>A (p.Val1622Met)

Gene: CDH23 (cadherin related 23; plus strand). Cytogenetic location: 10q22.1.
Variant type: single nucleotide variant.
Coding change: c.4864G>A on transcript NM_022124.6 (MANE Select); coding-DNA position 4864, G replaced by A.
Protein change: p.Val1622Met; replaces valine 1622 with methionine.
Molecular consequence: missense variant.
Genome position (GRCh38, 1-based): chr10:71,777,698, G>A. VCF-style: chr10-71777698-G-A. GRCh37 (hg19) VCF-style: chr10-73537455-G-A.
Other names: short protein forms V1622M.
Identifiers: ClinVar variation 838454 (VCV000838454.11), dbSNP rs199754104, ClinGen allele CA5545574.

ClinVar aggregate classification (germline): Uncertain significance. Review status: criteria provided, multiple submitters, no conflicts (2 of 4 stars). 7 submissions from 7 submitters: Uncertain significance (6). 1 of the submissions does not count toward it. Last evaluated 2026-09-02.

Conditions:
CDH23-related disorder. Also called: CDH23-related condition; CDH23-related disorders.
Pituitary adenoma 5, multiple types. Identifiers: MedGen C4539685, MONDO:0054601, OMIM 617540.
Autosomal recessive nonsyndromic hearing loss 12. Also called: DEAFNESS, AUTOSOMAL RECESSIVE 12. Identifiers: Orphanet 90636, MedGen C1832394, MONDO:0011067, OMIM 601386.
Usher syndrome type 1D (USH1D). Also called: USHER SYNDROME, TYPE ID. Identifiers: Orphanet 231169, Orphanet 886, MedGen C1832845, MONDO:0010984, OMIM 601067.
Usher syndrome type 1 (USH1). Also called: RETINITIS PIGMENTOSA AND CONGENITAL DEAFNESS. Identifiers: Orphanet 231169, Orphanet 886, MedGen C1568247, MONDO:0010168, OMIM 276900.
Inborn genetic diseases. Identifiers: MedGen C0950123, MeSH D030342.

Allele frequency attached by ClinVar (database versions not stated): gnomAD exomes 0.00009; ExAC 0.00010; TOPMed 0.00011; gnomAD 0.00012 and 0.00014.
gnomAD v4.1: 157 of 1,612,290 alleles (0.0097%); highest among the groups gnomAD compares: Admixed American, 0.035%; no homozygotes.

Submissions (7):

PreventionGenetics, part of Exact Sciences
Classification: Uncertain significance for CDH23-related condition. Last evaluated: 2026-09-02. Review status: criteria provided, single submitter. Criteria: ACMG Guidelines, 2015. Collection method: clinical testing. Allele origin: germline.
Comment: The CDH23 c.4864G>A variant is predicted to result in the amino acid substitution p.Val1622Met. To our knowledge, this variant has not been reported in the literature. This variant is reported in 0.040% of alleles in individuals of Latino descent in gnomAD. At this time, the clinical significance of this variant is uncertain due to the absence of conclusive functional and genetic evidence.

Ambry Genetics
Classification: Uncertain significance for Inborn genetic diseases. Last evaluated: 2026-06-03. Review status: criteria provided, single submitter. Criteria: Ambry Variant Classification Scheme 2023. Collection method: clinical testing. Allele origin: germline.

Blueprint Genetics
Classification: Uncertain significance. Last evaluated: 2024-10-13. Review status: criteria provided, single submitter. Criteria: ACMG Guidelines, 2015. Collection method: clinical testing. Allele origin: germline.

GeneDx
Classification: Uncertain significance. Last evaluated: 2024-01-17. Review status: criteria provided, single submitter. Criteria: GeneDx Variant Classification Process June 2021. Collection method: clinical testing. Allele origin: germline. Affected: yes.
Comment: In silico analysis supports that this missense variant does not alter protein structure/function; Has not been previously published as pathogenic or benign to our knowledge

Labcorp Genetics (formerly Invitae), Labcorp
Classification: Uncertain significance. Last evaluated: 2022-09-30. Review status: criteria provided, single submitter. Criteria: Invitae Variant Classification Sherloc (09022015). Collection method: clinical testing. Allele origin: germline.
Comment: This sequence change replaces valine, which is neutral and non-polar, with methionine, which is neutral and non-polar, at codon 1622 of the CDH23 protein (p.Val1622Met). This variant is present in population databases (rs199754104, gnomAD 0.04%). This variant has not been reported in the literature in individuals affected with CDH23-related conditions. ClinVar contains an entry for this variant (Variation ID: 838454). Advanced modeling of protein sequence and biophysical properties (such as structural, functional, and spatial information, amino acid conservation, physicochemical variation, residue mobility, and thermodynamic stability) has been performed at Invitae for this missense variant, however the output from this modeling did not meet the statistical confidence thresholds required to predict the impact of this variant on CDH23 protein function. In summary, the available evidence is currently insufficient to determine the role of this variant in disease. Therefore, it has been classified as a Variant of Uncertain Significance.

Fulgent Genetics
Classification: Uncertain significance for Usher syndrome type 1D; Autosomal recessive nonsyndromic hearing loss 12; Pituitary adenoma 5, multiple types. Last evaluated: 2021-08-04. Review status: criteria provided, single submitter. Criteria: ACMG Guidelines, 2015. Collection method: clinical testing. Allele origin: unknown.

Natera, Inc.
Classification: Uncertain significance for Usher syndrome type 1. Last evaluated: 2020-04-15. Review status: no assertion criteria provided. Collection method: clinical testing. Allele origin: germline. Not counted in ClinVar's aggregate classification.